The following is an entry in ClinVar:

ClinVar aggregate classification (germline): Benign. Review status: criteria provided, multiple submitters, no conflicts (2 of 4 stars). 3 submissions from 3 submitters: Benign (3). Last evaluated 2020-08-05.

Allele frequency attached by ClinVar (database versions not stated): ESP Exome Variant Server 0.00500; gnomAD exomes 0.00573 and 0.01078; gnomAD 0.00609 and 0.00622; 1000 Genomes Project 0.00799; 1000 Genomes Project 30x 0.00828; ExAC 0.00853; TOPMed 0.00917.
gnomAD v4.1: 9,339 of 1,613,412 alleles (0.58%); highest among the groups gnomAD compares: Admixed American, 5.2%; 127 homozygotes.

Submissions (3):

GeneDx
Classification: Benign. Last evaluated: 2020-08-05. Review status: criteria provided, single submitter. Criteria: GeneDx Variant Classification Process June 2021. Collection method: clinical testing. Allele origin: germline. Affected: yes.
Comment: This variant is associated with the following publications: (PMID: 19944402)

Labcorp Genetics (formerly Invitae), Labcorp
Classification: Benign. Last evaluated: 2018-01-09. Review status: criteria provided, single submitter. Criteria: Invitae Variant Classification Sherloc (09022015). Collection method: clinical testing. Allele origin: germline.

Breakthrough Genomics
Classification: Benign. Review status: criteria provided, single submitter. Criteria: ACMG Guidelines, 2015. Collection method: not provided. Allele origin: germline. Inheritance: Unknown mechanism. Affected: yes.

NM_152701.5(ABCA13):c.10826A>C (p.His3609Pro)

Gene: ABCA13 (ATP binding cassette subfamily A member 13; plus strand). Cytogenetic location: 7p12.3.
Variant type: single nucleotide variant.
Coding change: c.10826A>C on transcript NM_152701.5 (MANE Select); coding-DNA position 10826, A replaced by C.
Protein change: p.His3609Pro; replaces histidine 3609 with proline.
Molecular consequence: missense variant.
Genome position (GRCh38, 1-based): chr7:48,372,190, A>C. VCF-style: chr7-48372190-A-C. GRCh37 (hg19) VCF-style: chr7-48411787-A-C.
Other names: short protein forms H3609P.
Identifiers: ClinVar variation 770936 (VCV000770936.6), dbSNP rs78147863, ClinGen allele CA4258441.